The following is an entry in ClinVar:

ClinVar aggregate classification (germline): Uncertain significance (1 of 4 stars; one submission).

Allele frequency attached by ClinVar (database versions not stated): gnomAD exomes below 0.00001; TOPMed below 0.00001.
gnomAD v4.1: 2 of 1,614,186 alleles (0.00012%); highest among the groups gnomAD compares: Middle Eastern, 0.016%; no homozygotes.

Submission:

Labcorp Genetics (formerly Invitae), Labcorp
Classification: Uncertain significance. Last evaluated: 2022-08-16. Review status: criteria provided, single submitter. Criteria: Invitae Variant Classification Sherloc (09022015). Collection method: clinical testing. Allele origin: germline.
Comment: In summary, the available evidence is currently insufficient to determine the role of this variant in disease. Therefore, it has been classified as a Variant of Uncertain Significance. This sequence change replaces serine, which is neutral and polar, with glycine, which is neutral and non-polar, at codon 1372 of the TCF20 protein (p.Ser1372Gly). This variant is present in population databases (no rsID available, gnomAD 0.007%). This variant has not been reported in the literature in individuals affected with TCF20-related conditions. Algorithms developed to predict the effect of missense changes on protein structure and function (SIFT, PolyPhen-2, Align-GVGD) all suggest that this variant is likely to be tolerated.

NM_001378418.1(TCF20):c.4114A>G (p.Ser1372Gly)

Gene: TCF20 (transcription factor 20; minus strand). Cytogenetic location: 22q13.2.
Variant type: single nucleotide variant.
Coding change: c.4114A>G on transcript NM_001378418.1 (MANE Select); coding-DNA position 4114, A replaced by G.
Protein change: p.Ser1372Gly; replaces serine 1372 with glycine.
Molecular consequence: missense variant.
Genome position (GRCh38, 1-based): chr22:42,211,192, T>C on the plus strand (A>G on the coding strand, the complement: TCF20 is on the minus strand). VCF-style: chr22-42211192-T-C. GRCh37 (hg19) VCF-style: chr22-42607198-T-C.
Other names: c.4114A>G, p.Ser1372Gly (NM_005650.4, NM_181492.3); short protein forms S1372G.
Identifiers: ClinVar variation 2013768 (VCV002013768.4), dbSNP rs1298303219, ClinGen allele CA411785015.